The following is an entry in ClinVar:

NM_000501.4(ELN):c.851G>C (p.Gly284Ala)

Gene: ELN (elastin; plus strand). Cytogenetic location: 7q11.23.
Variant type: single nucleotide variant.
Coding change: c.851G>C on transcript NM_000501.4 (MANE Select); coding-DNA position 851, G replaced by C.
Protein change: p.Gly284Ala; replaces glycine 284 with alanine.
Molecular consequence: missense variant.
Genome position (GRCh38, 1-based): chr7:74,051,801, G>C. VCF-style: chr7-74051801-G-C. GRCh37 (hg19) VCF-style: chr7-73466131-G-C.
Other names: c.821G>C, p.Gly274Ala (NM_001081752.3, NM_001278917.2); c.866G>C, p.Gly289Ala (NM_001081753.3, NM_001081754.3); c.851G>C, p.Gly284Ala (NM_001081755.3, NM_001278912.2, NM_001278915.2 and 1 more transcripts); c.743G>C, p.Gly248Ala (NM_001278913.2); c.836G>C, p.Gly279Ala (NM_001278914.2); c.809G>C, p.Gly270Ala (NM_001278916.2); c.719G>C, p.Gly240Ala (NM_001278918.2); short protein forms G248A, G289A, G279A, G270A, G274A, G284A, G240A.
Identifiers: ClinVar variation 2082057 (VCV002082057.4), dbSNP rs1287098263, ClinGen allele CA367871073.

ClinVar aggregate classification (germline): Uncertain significance (1 of 4 stars; one submission).

Conditions:
Supravalvar aortic stenosis (SVAS). Also called: Supravalvar aortic stenosis, Eisenberg type. Identifiers: Orphanet 3193, MedGen C0003499, MONDO:0008504, OMIM 185500, HP:0004381.

gnomAD v4.1: 1 of 1,614,074 alleles (0.000062%); highest among the groups gnomAD compares: African/African-American, 0.0013%; no homozygotes.

Submission:

Labcorp Genetics (formerly Invitae), Labcorp
Classification: Uncertain significance for Supravalvar aortic stenosis. Last evaluated: 2022-07-27. Review status: criteria provided, single submitter. Criteria: Invitae Variant Classification Sherloc (09022015). Collection method: clinical testing. Allele origin: germline.
Comment: This variant is not present in population databases (gnomAD no frequency). In summary, the available evidence is currently insufficient to determine the role of this variant in disease. Therefore, it has been classified as a Variant of Uncertain Significance. Algorithms developed to predict the effect of missense changes on protein structure and function are either unavailable or do not agree on the potential impact of this missense change (SIFT: "Deleterious"; PolyPhen-2: "Not Available"; Align-GVGD: "Class C0"). This variant has not been reported in the literature in individuals affected with ELN-related conditions. This sequence change replaces glycine, which is neutral and non-polar, with alanine, which is neutral and non-polar, at codon 284 of the ELN protein (p.Gly284Ala).